The following is an entry in ClinVar:

NM_003611.3(OFD1):c.53A>C (p.Glu18Ala)

Genes: OFD1 (OFD1 centriole and centriolar satellite protein; plus strand), LOC126863212 (CDK7 strongly-dependent group 2 enhancer GRCh37_chrX:13752241-13753440; plus strand). Cytogenetic location: Xp22.2.
Variant type: single nucleotide variant.
Coding change: c.53A>C on transcript NM_003611.3 (MANE Select); coding-DNA position 53, A replaced by C.
Protein change: p.Glu18Ala; replaces glutamic acid 18 with alanine.
Molecular consequence: missense variant. On other transcripts: 5 prime UTR variant (1).
Genome position (GRCh38, 1-based): chrX:13,735,288, A>C. VCF-style: chrX-13735288-A-C. GRCh37 (hg19) VCF-style: chrX-13753407-A-C.
Other names: c.53A>C, p.Glu18Ala (NM_001330209.2); c.-493A>C (NM_001330210.2); short protein forms E18A.
Identifiers: ClinVar variation 1401792 (VCV001401792.8), dbSNP rs1185798273, ClinGen allele CA412331538.

ClinVar aggregate classification (germline): Uncertain significance (1 of 4 stars; one submission).

Conditions:
Joubert syndrome. Also called: CEREBELLOPARENCHYMAL DISORDER IV; JOUBERT-BOLTSHAUSER SYNDROME; Familial aplasia of the vermis. Identifiers: Orphanet 475, MedGen C5979921, MONDO:0018772.
Orofaciodigital syndrome I (OFD1). Also called: OFDS I; Papillon-Leage and Psaume Syndrome; Oral-Facial-Digital Syndrome Type I. Identifiers: Orphanet 2750, MedGen C1510460, MONDO:0010702, OMIM 311200.

Allele frequency attached by ClinVar (database versions not stated): gnomAD exomes 0.00001.
gnomAD v4.1: 4 of 1,211,750 alleles (0.00033%); highest among the groups gnomAD compares: Admixed American, 0.0043%; no homozygotes.

Submission:

Labcorp Genetics (formerly Invitae), Labcorp
Classification: Uncertain significance for Orofaciodigital syndrome I; Joubert syndrome. Last evaluated: 2021-01-03. Review status: criteria provided, single submitter. Criteria: Invitae Variant Classification Sherloc (09022015). Collection method: clinical testing. Allele origin: germline.
Comment: In summary, the available evidence is currently insufficient to determine the role of this variant in disease. Therefore, it has been classified as a Variant of Uncertain Significance. Algorithms developed to predict the effect of missense changes on protein structure and function (SIFT, PolyPhen-2, Align-GVGD) all suggest that this variant is likely to be disruptive, but these predictions have not been confirmed by published functional studies and their clinical significance is uncertain. This variant has not been reported in the literature in individuals with OFD1-related conditions. This variant is not present in population databases (ExAC no frequency). This sequence change replaces glutamic acid with alanine at codon 18 of the OFD1 protein (p.Glu18Ala). The glutamic acid residue is highly conserved and there is a moderate physicochemical difference between glutamic acid and alanine.